The following is an entry in ClinVar:

ClinVar aggregate classification (germline): Likely benign (1 of 4 stars; one submission).

Allele frequency attached by ClinVar (database versions not stated): TOPMed below 0.00001; gnomAD exomes 0.00006; 1000 Genomes Project 30x 0.00016.
gnomAD v4.1: 92 of 1,613,658 alleles (0.0057%); highest among the groups gnomAD compares: Non-Finnish European, 0.0074%; no homozygotes.

Submission:

CeGaT Center for Human Genetics Tuebingen
Classification: Likely benign. Last evaluated: 2023-02-01. Review status: criteria provided, single submitter. Criteria: CeGaT Center For Human Genetics Tuebingen Variant Classification Criteria Version 2. Collection method: clinical testing. Allele origin: germline. Affected: yes. Observed: 1 variant allele.
Comment: NUP153: BP4, BP7

NM_005124.4(NUP153):c.2433T>C (p.Asn811=)

Gene: NUP153 (nucleoporin 153; minus strand). Cytogenetic location: 6p22.3.
Variant type: single nucleotide variant.
Coding change: c.2433T>C on transcript NM_005124.4 (MANE Select); coding-DNA position 2433, T replaced by C.
Protein change: p.Asn811=; no amino-acid change (asparagine 811 retained).
Molecular consequence: synonymous variant.
Genome position (GRCh38, 1-based): chr6:17,637,184, A>G on the plus strand (T>C on the coding strand, the complement: NUP153 is on the minus strand). VCF-style: chr6-17637184-A-G. GRCh37 (hg19) VCF-style: chr6-17637415-A-G.
Other names: c.2526T>C, p.Asn842= (NM_001278209.2); c.2307T>C, p.Asn769= (NM_001278210.2).
Identifiers: ClinVar variation 2656259 (VCV002656259.24), dbSNP rs755480500, ClinGen allele CA3647417.